The following is an entry in ClinVar:

NM_005334.3(HCFC1):c.1605+20G>T

Gene: HCFC1 (host cell factor C1; minus strand). Cytogenetic location: Xq28.
Variant type: single nucleotide variant.
Coding change: c.1605+20G>T on transcript NM_005334.3 (MANE Select); 20 bases into the intron after coding-DNA position 1605, G replaced by T.
Molecular consequence: intron variant.
Genome position (GRCh38, 1-based): chrX:153,959,311, C>A on the plus strand (G>T on the coding strand, the complement: HCFC1 is on the minus strand). VCF-style: chrX-153959311-C-A. GRCh37 (hg19) VCF-style: chrX-153224762-C-A.
Identifiers: ClinVar variation 382028 (VCV000382028.10), dbSNP rs1002679, ClinGen allele CA10557478.
Genomic context (GRCh38, chrX:153,959,311, plus strand): 5'-ATGTGAACCCCTCAGTACACTTGCAACTTAATCCACTGGATCAACAGGAAATCCCACCCG[C>A]CCCAGTGACCACTCCTCACCGTTCCCTGGGCACTCTGTGTTGGCACAACCATCCGCACTC-3'

ClinVar aggregate classification (germline): Benign. Review status: criteria provided, multiple submitters, no conflicts (2 of 4 stars). 3 submissions from 3 submitters: Benign (3). Last evaluated 2026-01-30.

Conditions:
Methylmalonic acidemia with homocystinuria, type cblX (MAHCX). Also called: INTELLECTUAL DEVELOPMENTAL DISORDER, X-LINKED 3. Identifiers: Orphanet 369962, MedGen C0796208, MONDO:0010657, OMIM 309541.

Allele frequency attached by ClinVar (database versions not stated): gnomAD exomes 0.00283 and 0.00877; ExAC 0.01004; gnomAD 0.02760 and 0.02967; 1000 Genomes Project 0.02887; 1000 Genomes Project 30x 0.02976; ESP Exome Variant Server 0.03192; TOPMed 0.03219.
gnomAD v4.1: 6,342 of 1,183,236 alleles (0.54%); highest among the groups gnomAD compares: African/African-American, 9.5%; 209 homozygotes.

Submissions (3):

Labcorp Genetics (formerly Invitae), Labcorp
Classification: Benign for Methylmalonic acidemia with homocystinuria, type cblX. Last evaluated: 2026-01-30. Review status: criteria provided, single submitter. Criteria: Invitae Variant Classification Sherloc (09022015). Collection method: clinical testing. Allele origin: germline.

GeneDx
Classification: Benign. Last evaluated: 2016-02-23. Review status: criteria provided, single submitter. Criteria: GeneDx Variant Classification (06012015). Collection method: clinical testing. Allele origin: germline. Affected: yes.
Comment: This variant is considered likely benign or benign based on one or more of the following criteria: it is a conservative change, it occurs at a poorly conserved position in the protein, it is predicted to be benign by multiple in silico algorithms, and/or has population frequency not consistent with disease.

Breakthrough Genomics
Classification: Benign. Review status: criteria provided, single submitter. Criteria: ACMG Guidelines, 2015. Collection method: not provided. Allele origin: germline. Inheritance: X-linked inheritance. Affected: yes.